The following is an entry in ClinVar:

ClinVar aggregate classification (germline): Uncertain significance. Review status: criteria provided, multiple submitters, no conflicts (2 of 4 stars). 3 submissions from 3 submitters: Uncertain significance (2). 1 of the submissions does not count toward it. Last evaluated 2024-02-22.

Conditions:
Joubert syndrome. Also called: Familial aplasia of the vermis; CEREBELLOPARENCHYMAL DISORDER IV; JOUBERT-BOLTSHAUSER SYNDROME. Identifiers: Orphanet 475, MedGen C5979921, MONDO:0018772.
Meckel-Gruber syndrome. Also called: Dysencephalia splachnocystica; DYSENCEPHALIA SPLANCHNOCYSTICA; GRUBER SYNDROME. Identifiers: Orphanet 564, MedGen C0265215, MONDO:0018921.
Nephronophthisis. Also called: Juvenile Nephronophthisis. Identifiers: Orphanet 655, MedGen C0687120, MONDO:0019005, HP:0000090.
Leber congenital amaurosis (LCA). Also called: Leber's amaurosis. Identifiers: Orphanet 65, MedGen C0339527, MeSH D057130, MONDO:0018998.
Leber congenital amaurosis 10 (LCA10). Identifiers: Orphanet 65, MedGen C1857821, MONDO:0012723, OMIM 611755.
Meckel syndrome, type 4 (MKS4). Also called: MECKEL-GRUBER SYNDROME, TYPE 4. Identifiers: Orphanet 564, MedGen C1970161, MONDO:0012626, OMIM 611134.
Joubert syndrome 5 (JBTS5). Identifiers: Orphanet 2318, MedGen C1857780, MONDO:0012432, OMIM 610188.
Bardet-Biedl syndrome 14 (BBS14). Identifiers: Orphanet 110, MedGen C2673874, MONDO:0014442, OMIM 615991.
Senior-Loken syndrome 6 (SLSN6). Identifiers: Orphanet 3156, MedGen C1857779, MONDO:0012433, OMIM 610189.

Allele frequency attached by ClinVar (database versions not stated): gnomAD exomes below 0.00001; TOPMed below 0.00001.
gnomAD v4.1: 5 of 1,604,980 alleles (0.00031%); highest among the groups gnomAD compares: East Asian, 0.011%; no homozygotes.

Submissions (3):

Fulgent Genetics
Classification: Uncertain significance for Joubert syndrome 5; Senior-Loken syndrome 6; Meckel syndrome, type 4; Leber congenital amaurosis 10; Bardet-Biedl syndrome 14. Last evaluated: 2024-02-22. Review status: criteria provided, single submitter. Criteria: ACMG Guidelines, 2015. Collection method: clinical testing. Allele origin: germline.

Labcorp Genetics (formerly Invitae), Labcorp
Classification: Uncertain significance for Joubert syndrome; Meckel-Gruber syndrome; Nephronophthisis. Last evaluated: 2022-08-03. Review status: criteria provided, single submitter. Criteria: Invitae Variant Classification Sherloc (09022015). Collection method: clinical testing. Allele origin: germline.
Comment: This sequence change replaces isoleucine, which is neutral and non-polar, with threonine, which is neutral and polar, at codon 2000 of the CEP290 protein (p.Ile2000Thr). This variant is not present in population databases (gnomAD no frequency). This variant has not been reported in the literature in individuals affected with CEP290-related conditions. ClinVar contains an entry for this variant (Variation ID: 1043237). Algorithms developed to predict the effect of missense changes on protein structure and function (SIFT, PolyPhen-2, Align-GVGD) all suggest that this variant is likely to be tolerated. In summary, the available evidence is currently insufficient to determine the role of this variant in disease. Therefore, it has been classified as a Variant of Uncertain Significance.

Natera, Inc.
Classification: Uncertain significance for Leber congenital amaurosis. Last evaluated: 2021-01-05. Review status: no assertion criteria provided. Collection method: clinical testing. Allele origin: germline. Not counted in ClinVar's aggregate classification.

NM_025114.4(CEP290):c.5999T>C (p.Ile2000Thr)

Gene: CEP290 (centrosomal protein 290; minus strand). Cytogenetic location: 12q21.32.
Variant type: single nucleotide variant.
Coding change: c.5999T>C on transcript NM_025114.4 (MANE Select); coding-DNA position 5999, T replaced by C.
Protein change: p.Ile2000Thr; replaces isoleucine 2000 with threonine.
Molecular consequence: missense variant.
Genome position (GRCh38, 1-based): chr12:88,071,306, A>G on the plus strand (T>C on the coding strand, the complement: CEP290 is on the minus strand). VCF-style: chr12-88071306-A-G. GRCh37 (hg19) VCF-style: chr12-88465083-A-G.
Other names: short protein forms I2000T.
Identifiers: ClinVar variation 1043237 (VCV001043237.8), dbSNP rs1592782496, ClinGen allele CA385983182.
Genomic context (GRCh38, chr12:88,071,306, plus strand): 5'-ACCAGTTTTTCATTACAATGGGTGGCACATTTCCACATAATAGCTTACCTCATATACAAT[A>G]TATCATTTTCTAAGTCAAGATTTCTCTTTTTTAATTCTTCCAATTCTTTTTCTGACTCCA-3'
Protein context (NP_079390.3, residues 1990-2010): KKRNLDLEND[Ile2000Thr]LYMRAHQALP